The following is an entry in ClinVar:

ClinVar aggregate classification (germline): Likely benign (1 of 4 stars; one submission).

Allele frequency attached by ClinVar (database versions not stated): 1000 Genomes Project 0.00020; 1000 Genomes Project 30x 0.00031; gnomAD exomes 0.00079; gnomAD 0.00086 and 0.00088; TOPMed 0.00089; ExAC 0.00099; ESP Exome Variant Server 0.00146.
gnomAD v4.1: 1,856 of 1,612,250 alleles (0.12%); highest among the groups gnomAD compares: Non-Finnish European, 0.14%; 4 homozygotes.

Submission:

GeneDx
Classification: Likely benign. Last evaluated: 2018-04-11. Review status: criteria provided, single submitter. Criteria: GeneDx Variant Classification (06012015). Collection method: clinical testing. Allele origin: germline. Affected: yes.
Comment: This variant is considered likely benign or benign based on one or more of the following criteria: it is a conservative change, it occurs at a poorly conserved position in the protein, it is predicted to be benign by multiple in silico algorithms, and/or has population frequency not consistent with disease.

NM_001080779.2(MYO1C):c.249C>G (p.Val83=)

Gene: MYO1C (myosin IC; minus strand). Cytogenetic location: 17p13.3.
Variant type: single nucleotide variant.
Coding change: c.249C>G on transcript NM_001080779.2 (MANE Select); coding-DNA position 249, C replaced by G.
Protein change: p.Val83=; no amino-acid change (valine 83 retained).
Molecular consequence: synonymous variant.
Genome position (GRCh38, 1-based): chr17:1,483,708, G>C on the plus strand (C>G on the coding strand, the complement: MYO1C is on the minus strand). VCF-style: chr17-1483708-G-C. GRCh37 (hg19) VCF-style: chr17-1387002-G-C.
Other names: c.192C>G, p.Val64= (NM_001080950.2); c.177C>G, p.Val59= (NM_001363855.1); c.144C>G, p.Val48= (NM_033375.5).
Identifiers: ClinVar variation 681505 (VCV000681505.1), dbSNP rs147453285, ClinGen allele CA8268114.